The following is an entry in ClinVar:

ClinVar aggregate classification (germline): Uncertain significance (1 of 4 stars; one submission).

Submission:

GeneDx
Classification: Uncertain significance. Last evaluated: 2019-11-07. Review status: criteria provided, single submitter. Criteria: GeneDx Variant Classification Process June 2021. Collection method: clinical testing. Allele origin: germline. Affected: yes.
Comment: Has not been previously published as pathogenic or benign to our knowledge; Not observed in large population cohorts (Lek et al., 2016); In silico analysis, which includes splice predictors and evolutionary conservation, supports that this variant does not alter gene splicing; in the absence of RNA/functional studies, the actual effect of this sequence change is unknown

NM_019074.4(DLL4):c.336+6C>T

Gene: DLL4 (delta like canonical Notch ligand 4; plus strand). Cytogenetic location: 15q15.1.
Variant type: single nucleotide variant.
Coding change: c.336+6C>T on transcript NM_019074.4 (MANE Select); 6 bases into the intron after coding-DNA position 336, C replaced by T.
Molecular consequence: intron variant.
Genome position (GRCh38, 1-based): chr15:40,930,122, C>T. VCF-style: chr15-40930122-C-T. GRCh37 (hg19) VCF-style: chr15-41222320-C-T.
Identifiers: ClinVar variation 1309608 (VCV001309608.2), dbSNP rs1222577777, ClinGen allele CA712789338.